The following is an entry in ClinVar:

ClinVar aggregate classification (germline): Conflicting classifications of pathogenicity. Review status: criteria provided, conflicting classifications (1 of 4 stars). 5 submissions from 5 submitters: Uncertain significance (1); Benign (1); Likely benign (3). Last evaluated 2025-10-29.

Conditions:
Collagen 6-related myopathy. Identifiers: MedGen CN117976, MONDO:0100225.
Bethlem myopathy 1A. Also called: Bethlem myopathy 1; Bethlem Muscular Dystrophy; MYOPATHY, BENIGN CONGENITAL, WITH CONTRACTURES. Identifiers: Orphanet 610, MedGen CN029274, MONDO:0024530, OMIM 158810.

Allele frequency attached by ClinVar (database versions not stated): 1000 Genomes Project 30x 0.00031; ESP Exome Variant Server 0.00031; gnomAD 0.00036 and 0.00038; 1000 Genomes Project 0.00040; TOPMed 0.00047.
gnomAD v4.1: 155 of 1,613,960 alleles (0.0096%); highest among the groups gnomAD compares: African/African-American, 0.11%; no homozygotes.

Submissions (5):

Labcorp Genetics (formerly Invitae), Labcorp
Classification: Likely benign for Bethlem myopathy 1A. Last evaluated: 2025-10-29. Review status: criteria provided, single submitter. Criteria: Invitae Variant Classification Sherloc (09022015). Collection method: clinical testing. Allele origin: germline.

CeGaT Center for Human Genetics Tuebingen
Classification: Likely benign. Last evaluated: 2022-02-01. Review status: criteria provided, single submitter. Criteria: CeGaT Center For Human Genetics Tuebingen Variant Classification Criteria Version 2. Collection method: clinical testing. Allele origin: germline. Affected: yes. Observed: 1 variant allele.

Illumina Laboratory Services, Illumina
Classification: Benign for Collagen VI-related myopathy. Last evaluated: 2018-01-12. Review status: criteria provided, single submitter. Criteria: ICSL Variant Classification Criteria 13 December 2019. Collection method: clinical testing. Allele origin: germline.
Comment: This variant was observed in the ICSL laboratory as part of a predisposition screen in an ostensibly healthy population. It had not been previously curated by ICSL or reported in the Human Gene Mutation Database (HGMD: prior to June 1st, 2018), and was therefore a candidate for classification through an automated scoring system. Utilizing variant allele frequency, disease prevalence and penetrance estimates, and inheritance mode, an automated score was calculated to assess if this variant is too frequent to cause the disease. Based on the score and internal cut-off values, a variant classified as benign is not then subjected to further curation. The score for this variant resulted in a classification of benign for this disease.

Eurofins Ntd Llc (ga)
Classification: Uncertain significance. Last evaluated: 2017-05-04. Review status: criteria provided, single submitter. Criteria: EGL Classification Definitions 2015. Collection method: clinical testing. Allele origin: germline. Observed: 2 variant alleles, 2 heterozygotes.

GeneDx
Classification: Likely benign. Last evaluated: 2016-03-10. Review status: criteria provided, single submitter. Criteria: GeneDx Variant Classification (06012015). Collection method: clinical testing. Allele origin: germline. Affected: yes.
Comment: This variant is considered likely benign or benign based on one or more of the following criteria: it is a conservative change, it occurs at a poorly conserved position in the protein, it is predicted to be benign by multiple in silico algorithms, and/or has population frequency not consistent with disease.

NM_004369.4(COL6A3):c.1131C>T (p.Phe377=)

Gene: COL6A3 (collagen type VI alpha 3 chain; minus strand). Cytogenetic location: 2q37.3.
Variant type: single nucleotide variant.
Coding change: c.1131C>T on transcript NM_004369.4 (MANE Select); coding-DNA position 1131, C replaced by T.
Protein change: p.Phe377=; no amino-acid change (phenylalanine 377 retained).
Molecular consequence: synonymous variant. On other transcripts: intron variant (2).
Genome position (GRCh38, 1-based): chr2:237,387,763, G>A on the plus strand (C>T on the coding strand, the complement: COL6A3 is on the minus strand). VCF-style: chr2-237387763-G-A. GRCh37 (hg19) VCF-style: chr2-238296406-G-A.
Other names: c.513C>T, p.Phe171= (NM_057165.5, NM_057167.4); c.92-6264C>T (NM_057166.5, NM_057164.5).
Identifiers: ClinVar variation 291211 (VCV000291211.51), dbSNP rs189772397, ClinGen allele CA2189698.